The following is an entry in ClinVar:

ClinVar aggregate classification (germline): Benign (1 of 4 stars; one submission).

Submission:

Mayo Clinic Laboratories, Mayo Clinic
Classification: Benign. Last evaluated: 2025-06-09. Review status: criteria provided, single submitter. Criteria: ACMG Guidelines, 2015. Collection method: clinical testing. Allele origin: germline. Observed: 16 variant alleles.
Comment: BS1, BS2, BP4, BP7

NM_000034.3:c.811C>T

Gene: ALDOA (aldolase, fructose-bisphosphate A; plus strand).
Variant type: single nucleotide variant.
Other names: p.Leu271=.
Identifiers: ClinVar variation 4684088 (VCV004684088.1).